The following is an entry in ClinVar:

NM_001379291.1(BRD4):c.800C>G (p.Pro267Arg)

Gene: BRD4 (bromodomain containing 4; minus strand). Cytogenetic location: 19p13.12.
Variant type: single nucleotide variant.
Coding change: c.800C>G on transcript NM_001379291.1 (MANE Select); coding-DNA position 800, C replaced by G.
Protein change: p.Pro267Arg; replaces proline 267 with arginine.
Molecular consequence: missense variant.
Genome position (GRCh38, 1-based): chr19:15,265,403, G>C on the plus strand (C>G on the coding strand, the complement: BRD4 is on the minus strand). VCF-style: chr19-15265403-G-C. GRCh37 (hg19) VCF-style: chr19-15376214-G-C.
Other names: c.800C>G, p.Pro267Arg (NM_014299.3, NM_058243.3, NM_001330384.2 and 1 more transcripts); short protein forms P267R.
Identifiers: ClinVar variation 1804388 (VCV001804388.1), dbSNP rs2512587250, ClinGen allele CA404484932.

ClinVar aggregate classification (germline): Uncertain significance (1 of 4 stars; one submission).

Submission:

GeneDx
Classification: Uncertain significance. Last evaluated: 2022-06-16. Review status: criteria provided, single submitter. Criteria: GeneDx Variant Classification Process June 2021. Collection method: clinical testing. Allele origin: germline. Affected: yes.
Comment: Not observed at significant frequency in large population cohorts (gnomAD); In silico analysis supports that this missense variant has a deleterious effect on protein structure/function; Has not been previously published as pathogenic or benign to our knowledge